The following is an entry in ClinVar:

NM_000051.4(ATM):c.6629A>G (p.Gln2210Arg)

Genes: ATM (ATM serine/threonine kinase; plus strand), C11orf65 (chromosome 11 open reading frame 65; minus strand). Cytogenetic location: 11q22.3.
Variant type: single nucleotide variant.
Coding change: c.6629A>G on transcript NM_000051.4 (MANE Select); coding-DNA position 6629, A replaced by G.
Protein change: p.Gln2210Arg; replaces glutamine 2210 with arginine.
Molecular consequence: missense variant. On other transcripts: intron variant (2).
Genome position (GRCh38, 1-based): chr11:108,325,366, A>G. VCF-style: chr11-108325366-A-G. GRCh37 (hg19) VCF-style: chr11-108196093-A-G.
Other names: c.6629A>G, p.Gln2210Arg (NM_001351834.2); c.641-16295T>C (NM_001330368.2); c.*38+9854T>C (NM_001351110.2); short protein forms Q2210R.
Identifiers: ClinVar variation 1754552 (VCV001754552.4), dbSNP rs1252127806, ClinGen allele CA382554769.

ClinVar aggregate classification (germline): Uncertain significance. Review status: criteria provided, multiple submitters, no conflicts (2 of 4 stars). 2 submissions from 2 submitters: Uncertain significance (2). Last evaluated 2025-03-22.

Conditions:
Ataxia-telangiectasia syndrome (AT). Also called: Ataxia telangiectasia (A-T); LOUIS-BAR SYNDROME; Cerebello-oculocutaneous telangiectasia; Immunodeficiency with ataxia telangiectasia; Ataxia-telangiectasia, complementation group D; AT, COMPLEMENTATION GROUP C. Identifiers: Orphanet 100, MedGen C0004135, MONDO:0008840, OMIM 208900.
Hereditary cancer-predisposing syndrome. Also called: Hereditary neoplastic syndrome; Neoplastic Syndromes, Hereditary; Tumor predisposition; Hereditary Cancer Syndrome. Identifiers: Orphanet 140162, MedGen C0027672, MeSH D009386, MONDO:0015356.

gnomAD v4.1: 1 of 1,612,932 alleles (0.000062%); highest among the groups gnomAD compares: South Asian, 0.0011%; no homozygotes.

Submissions (2):

Labcorp Genetics (formerly Invitae), Labcorp
Classification: Uncertain significance for Ataxia-telangiectasia syndrome. Last evaluated: 2025-03-22. Review status: criteria provided, single submitter. Criteria: Invitae Variant Classification Sherloc (09022015). Collection method: clinical testing. Allele origin: germline.
Comment: This sequence change replaces glutamine, which is neutral and polar, with arginine, which is basic and polar, at codon 2210 of the ATM protein (p.Gln2210Arg). This variant is not present in population databases (gnomAD no frequency). This variant has not been reported in the literature in individuals affected with ATM-related conditions. ClinVar contains an entry for this variant (Variation ID: 1754552). Invitae Evidence Modeling of protein sequence and biophysical properties (such as structural, functional, and spatial information, amino acid conservation, physicochemical variation, residue mobility, and thermodynamic stability) indicates that this missense variant is not expected to disrupt ATM protein function with a negative predictive value of 95%. In summary, the available evidence is currently insufficient to determine the role of this variant in disease. Therefore, it has been classified as a Variant of Uncertain Significance.

Ambry Genetics
Classification: Uncertain significance for Hereditary cancer-predisposing syndrome. Last evaluated: 2024-11-25. Review status: criteria provided, single submitter. Criteria: Ambry Variant Classification Scheme 2023. Collection method: clinical testing. Allele origin: germline.
Comment: The p.Q2210R variant (also known as c.6629A>G), located in coding exon 45 of the ATM gene, results from an A to G substitution at nucleotide position 6629. The glutamine at codon 2210 is replaced by arginine, an amino acid with highly similar properties. This amino acid position is well conserved in available vertebrate species. In addition, this alteration is predicted to be tolerated by in silico analysis. Based on the available evidence, the clinical significance of this variant remains unclear.